The following is an entry in ClinVar:

ClinVar aggregate classification (germline): Uncertain significance (1 of 4 stars; one submission).

Conditions:
Neurofibromatosis, type 1 (NF1). Also called: Neurofibromatosis, type I; NEUROFIBROMATOSIS, TYPE I, SOMATIC; Peripheral type neurofibromatosis; VON RECKLINGHAUSEN DISEASE. Identifiers: Orphanet 636, MedGen C0027831, MONDO:0018975, OMIM 162200. Disease mechanism: loss of function.

Submission:

Labcorp Genetics (formerly Invitae), Labcorp
Classification: Uncertain significance for Neurofibromatosis, type 1. Last evaluated: 2023-06-22. Review status: criteria provided, single submitter. Criteria: Invitae Variant Classification Sherloc (09022015). Collection method: clinical testing. Allele origin: germline.
Comment: This variant is not present in population databases (gnomAD no frequency). In summary, the available evidence is currently insufficient to determine the role of this variant in disease. Therefore, it has been classified as a Variant of Uncertain Significance. Advanced modeling of protein sequence and biophysical properties (such as structural, functional, and spatial information, amino acid conservation, physicochemical variation, residue mobility, and thermodynamic stability) performed at Invitae indicates that this missense variant is not expected to disrupt NF1 protein function. This variant has not been reported in the literature in individuals affected with NF1-related conditions. This sequence change replaces glutamine, which is neutral and polar, with leucine, which is neutral and non-polar, at codon 2471 of the NF1 protein (p.Gln2471Leu).

NM_001042492.3(NF1):c.7475A>T (p.Gln2492Leu)

Gene: NF1 (neurofibromin 1; plus strand). Cytogenetic location: 17q11.2.
Variant type: single nucleotide variant.
Coding change: c.7475A>T on transcript NM_001042492.3 (MANE Select); coding-DNA position 7475, A replaced by T.
Protein change: p.Gln2492Leu; replaces glutamine 2492 with leucine.
Molecular consequence: missense variant.
Genome position (GRCh38, 1-based): chr17:31,352,274, A>T. VCF-style: chr17-31352274-A-T. GRCh37 (hg19) VCF-style: chr17-29679292-A-T.
Other names: c.7412A>T, p.Gln2471Leu (NM_000267.4); short protein forms Q2471L, Q2492L.
Identifiers: ClinVar variation 2723924 (VCV002723924.3), dbSNP rs2151576949, ClinGen allele CA399017451.